The following is an entry in ClinVar:

ClinVar aggregate classification (germline): Uncertain significance (1 of 4 stars; one submission).

Conditions:
Inborn genetic diseases. Identifiers: MedGen C0950123, MeSH D030342.

Submission:

Ambry Genetics
Classification: Uncertain significance for Inborn genetic diseases. Last evaluated: 2026-07-27. Review status: criteria provided, single submitter. Criteria: Ambry Variant Classification Scheme 2023. Collection method: clinical testing. Allele origin: germline.
Comment: The p.A817S variant (also known as c.2449G>T), located in coding exon 1 of the SAMD9L gene, results from a G to T substitution at nucleotide position 2449. The alanine at codon 817 is replaced by serine, an amino acid with similar properties. This amino acid position is conserved. In addition, this alteration is predicted to be tolerated by in silico analysis. Based on the available evidence, the clinical significance of this variant remains unclear.

NM_152703.5(SAMD9L):c.2449G>T (p.Ala817Ser)

Gene: SAMD9L (sterile alpha motif domain containing 9 like; minus strand). Cytogenetic location: 7q21.2.
Variant type: single nucleotide variant.
Coding change: c.2449G>T on transcript NM_152703.5 (MANE Select); coding-DNA position 2449, G replaced by T.
Protein change: p.Ala817Ser; replaces alanine 817 with serine.
Molecular consequence: missense variant.
Genome position (GRCh38, 1-based): chr7:93,133,523, C>A on the plus strand (G>T on the coding strand, the complement: SAMD9L is on the minus strand). VCF-style: chr7-93133523-C-A. GRCh37 (hg19) VCF-style: chr7-92762836-C-A.
Other names: c.2449G>T, p.Ala817Ser (NM_001303496.3, NM_001303497.3, NM_001303498.3 and 5 more transcripts); short protein forms A817S.
Identifiers: ClinVar variation 5028919 (VCV005028919.1).